The following is an entry in ClinVar:

ClinVar aggregate classification (germline): Uncertain significance (1 of 4 stars; one submission).

Submission:

Labcorp Genetics (formerly Invitae), Labcorp
Classification: Uncertain significance. Last evaluated: 2024-11-04. Review status: criteria provided, single submitter. Criteria: Invitae Variant Classification Sherloc (09022015). Collection method: clinical testing. Allele origin: germline.
Comment: This sequence change replaces aspartic acid, which is acidic and polar, with asparagine, which is neutral and polar, at codon 921 of the NFKB1 protein (p.Asp921Asn). This variant is not present in population databases (gnomAD no frequency). This variant has not been reported in the literature in individuals affected with NFKB1-related conditions. An algorithm developed to predict the effect of missense changes on protein structure and function (PolyPhen-2) suggests that this variant is likely to be tolerated. In summary, the available evidence is currently insufficient to determine the role of this variant in disease. Therefore, it has been classified as a Variant of Uncertain Significance.

NM_003998.4(NFKB1):c.2761G>A (p.Asp921Asn)

Gene: NFKB1 (nuclear factor kappa B subunit 1; plus strand). Cytogenetic location: 4q24.
Variant type: single nucleotide variant.
Coding change: c.2761G>A on transcript NM_003998.4 (MANE Select); coding-DNA position 2761, G replaced by A.
Protein change: p.Asp921Asn; replaces aspartic acid 921 with asparagine.
Molecular consequence: missense variant.
Genome position (GRCh38, 1-based): chr4:102,616,445, G>A. VCF-style: chr4-102616445-G-A. GRCh37 (hg19) VCF-style: chr4-103537602-G-A.
Other names: c.2758G>A, p.Asp920Asn (NM_001165412.2, NM_001319226.2, NM_001382627.1); c.2761G>A, p.Asp921Asn (NM_001382625.1, NM_001382626.1); c.2719G>A, p.Asp907Asn (NM_001382628.1); short protein forms D921N, D920N, D907N.
Identifiers: ClinVar variation 3677797 (VCV003677797.2).